The following is an entry in ClinVar:

ClinVar aggregate classification (germline): Conflicting classifications of pathogenicity. Review status: criteria provided, conflicting classifications (1 of 4 stars). 3 submissions from 3 submitters: Uncertain significance (2); Likely benign (1). Last evaluated 2026-06-03.

Conditions:
FGFR2-related craniosynostosis. Identifiers: MedGen CN231480.

Allele frequency attached by ClinVar (database versions not stated): gnomAD 0.00001; TOPMed 0.00002; ExAC 0.00007.

Submissions (3):

Women's Health and Genetics/Laboratory Corporation of America, LabCorp
Classification: Uncertain significance. Last evaluated: 2026-06-03. Review status: criteria provided, single submitter. Criteria: LabCorp Variant Classification Summary - May 2015. Collection method: clinical testing. Allele origin: germline.
Comment: Variant summary: FGFR2 c.2399C>T (p.Pro800Leu) results in a non-conservative amino acid change in the encoded protein sequence. Algorithms developed to predict the effect of missense changes on protein structure and function are either unavailable or do not agree on the potential impact of this missense change. The variant allele was found at a frequency of 6e-05 in 251446 control chromosomes. This frequency is not significantly higher than estimated for disease-causing variants in FGFR2, allowing no conclusion about variant significance. To our knowledge, no occurrence of c.2399C>T in individuals affected with FGFR2-related conditions and no experimental evidence demonstrating its impact on protein function have been reported. ClinVar contains an entry for this variant (Variation ID: 2066127). Based on the evidence outlined above, the variant was classified as uncertain significance.

Blueprint Genetics
Classification: Likely benign. Last evaluated: 2023-10-31. Review status: criteria provided, single submitter. Criteria: ACMG Guidelines, 2015. Collection method: clinical testing. Allele origin: germline.

Labcorp Genetics (formerly Invitae), Labcorp
Classification: Uncertain significance for FGFR2-related craniosynostosis. Last evaluated: 2022-07-20. Review status: criteria provided, single submitter. Criteria: Invitae Variant Classification Sherloc (09022015). Collection method: clinical testing. Allele origin: germline.
Comment: In summary, the available evidence is currently insufficient to determine the role of this variant in disease. Therefore, it has been classified as a Variant of Uncertain Significance. Algorithms developed to predict the effect of missense changes on protein structure and function are either unavailable or do not agree on the potential impact of this missense change (SIFT: "Deleterious"; PolyPhen-2: "Benign"; Align-GVGD: "Class C0"). This variant has not been reported in the literature in individuals affected with FGFR2-related conditions. This variant is present in population databases (rs746336453, gnomAD 0.03%). This sequence change replaces proline, which is neutral and non-polar, with leucine, which is neutral and non-polar, at codon 800 of the FGFR2 protein (p.Pro800Leu).

NM_000141.5(FGFR2):c.2399C>T (p.Pro800Leu)

Gene: FGFR2 (fibroblast growth factor receptor 2; minus strand). Cytogenetic location: 10q26.13.
Variant type: single nucleotide variant.
Coding change: c.2399C>T on transcript NM_000141.5 (MANE Select); coding-DNA position 2399, C replaced by T.
Protein change: p.Pro800Leu; replaces proline 800 with leucine.
Molecular consequence: missense variant. On other transcripts: non-coding transcript variant (1), intron variant (1).
Genome position (GRCh38, 1-based): chr10:121,479,924, G>A on the plus strand (C>T on the coding strand, the complement: FGFR2 is on the minus strand). VCF-style: chr10-121479924-G-A. GRCh37 (hg19) VCF-style: chr10-123239438-G-A.
Other names: c.2063C>T, p.Pro688Leu (NM_001144914.1); c.2054C>T, p.Pro685Leu (NM_001144916.2); c.2051C>T, p.Pro684Leu (NM_001144917.2); c.2048C>T, p.Pro683Leu (NM_001144918.2); c.1715C>T, p.Pro572Leu (NM_001320654.2); c.2393C>T, p.Pro798Leu (NM_001320658.2); c.2402C>T, p.Pro801Leu (NM_022970.4); c.2132C>T, p.Pro711Leu (NM_023029.3); and 1 more; short protein forms P572L, P684L, P800L, P683L, P685L, P798L, P688L, P711L.
Identifiers: ClinVar variation 2066127 (VCV002066127.6), dbSNP rs746336453, ClinGen allele CA5720456.